The following is an entry in ClinVar:

NM_001368067.1(LDB3):c.780C>T (p.Asn260=)

Gene: LDB3 (LIM domain binding 3; plus strand). Cytogenetic location: 10q23.2.
Variant type: single nucleotide variant.
Coding change: c.780C>T on transcript NM_001368067.1 (MANE Plus Clinical); coding-DNA position 780, C replaced by T.
Protein change: p.Asn260=; no amino-acid change (asparagine 260 retained).
Molecular consequence: synonymous variant. On other transcripts: intron variant (6).
Genome position (GRCh38, 1-based): chr10:86,699,302, C>T. VCF-style: chr10-86699302-C-T. GRCh37 (hg19) VCF-style: chr10-88459059-C-T.
Other names: p.N375N:AAC>AAT; c.780C>T, p.Asn260= (NM_001080116.1, NM_001368068.1); c.921C>T, p.Asn307= (NM_001080115.2, NM_001368063.1); c.1125C>T, p.Asn375= (NM_001171611.2); c.896+6731C>T (NM_001368064.1, NM_007078.3, NM_001368065.1); c.1100+6731C>T (NM_001171610.2); c.755+6731C>T (NM_001368066.1, NM_001080114.2).
Identifiers: ClinVar variation 138101 (VCV000138101.72), dbSNP rs372789789, ClinGen allele CA295690.

ClinVar aggregate classification (germline): Benign/Likely benign. Review status: criteria provided, multiple submitters, no conflicts (2 of 4 stars). 12 submissions from 12 submitters: Benign (3); Likely benign (6). 3 of the submissions do not count toward it. Last evaluated 2026-01-21.

Conditions:
Cardiovascular phenotype. Identifiers: MedGen CN230736.
Dilated cardiomyopathy 1C (CMD1C). Also called: CARDIOMYOPATHY, DILATED, 1C, WITH OR WITHOUT LEFT VENTRICULAR NONCOMPACTION; Cardiomyopathy, dilated, 1C, with or without LVNC. Identifiers: Orphanet 154, Orphanet 54260, MedGen C1832244, MONDO:0011094, OMIM 601493.
Myofibrillar myopathy 4. Also called: Zaspopathy (type). Identifiers: Orphanet 98912, MedGen C4721886, MONDO:0012277, OMIM 609452.

Allele frequency attached by ClinVar (database versions not stated): gnomAD 0.00061 and 0.00058; TOPMed 0.00042; ESP Exome Variant Server 0.00058.
gnomAD v4.1: 555 of 1,613,612 alleles (0.034%); highest among the groups gnomAD compares: Admixed American, 0.065%; 1 homozygote.

Submissions (12):

Labcorp Genetics (formerly Invitae), Labcorp
Classification: Benign for Myofibrillar myopathy 4. Last evaluated: 2026-01-21. Review status: criteria provided, single submitter. Criteria: Invitae Variant Classification Sherloc (09022015). Collection method: clinical testing. Allele origin: germline.

Laboratory of Genetics, Children's Clinical University Hospital Latvia
Classification: Likely benign. Last evaluated: 2025-02-16. Review status: criteria provided, single submitter. Criteria: ACMG Guidelines, 2015. Collection method: clinical testing. Allele origin: germline. Affected: yes.

Blueprint Genetics
Classification: Likely benign. Last evaluated: 2024-11-27. Review status: criteria provided, single submitter. Criteria: ACMG Guidelines, 2015. Collection method: clinical testing. Allele origin: germline.

ARUP Laboratories, Molecular Genetics and Genomics, ARUP Laboratories
Classification: Benign. Last evaluated: 2023-12-11. Review status: criteria provided, single submitter. Criteria: ARUP Molecular Germline Variant Investigation Process 2024. Collection method: clinical testing. Allele origin: germline.

CeGaT Center for Human Genetics Tuebingen
Classification: Likely benign. Last evaluated: 2023-06-01. Review status: criteria provided, single submitter. Criteria: CeGaT Center For Human Genetics Tuebingen Variant Classification Criteria Version 2. Collection method: clinical testing. Allele origin: germline. Affected: yes. Observed: 2 variant alleles.
Comment: LDB3: BP4, BP7

Fulgent Genetics
Classification: Likely benign for Dilated cardiomyopathy 1C; Myofibrillar myopathy 4. Last evaluated: 2022-02-17. Review status: criteria provided, single submitter. Criteria: ACMG Guidelines, 2015. Collection method: clinical testing. Allele origin: unknown.

Ambry Genetics
Classification: Likely benign for Cardiovascular phenotype. Last evaluated: 2017-09-15. Review status: criteria provided, single submitter. Criteria: Ambry Variant Classification Scheme 2023. Collection method: clinical testing. Allele origin: germline.

GeneDx
Classification: Benign. Last evaluated: 2014-03-19. Review status: criteria provided, single submitter. Criteria: GeneDx Variant Classification (06012015). Collection method: clinical testing. Allele origin: germline. Affected: yes.
Comment: This variant is considered likely benign or benign based on one or more of the following criteria: it is a conservative change, it occurs at a poorly conserved position in the protein, it is predicted to be benign by multiple in silico algorithms, and/or has population frequency not consistent with disease.

Laboratory for Molecular Medicine, Mass General Brigham Personalized Medicine
Classification: Likely benign. Last evaluated: 2012-03-19. Review status: criteria provided, single submitter. Criteria: LMM Criteria. Collection method: clinical testing. Allele origin: germline. Observed: 3 variant alleles.
Comment: Asn260Asn in exon 9 of LDB3: This variant is not expected to have clinical signi ficance because it does not alter an amino acid residue and is not located withi n the splice consensus sequence. It has been identified in 0.1% (5/6690) of Euro pean American chromosomes from a broad population by the NHLBI Exome Sequencing Project. Asn260Asn in exon 9 of LDB3 (allele frequency = 0.1%, 5/6690) **

Clinical Genetics, Academic Medical Center
Classification: Benign. Review status: no assertion criteria provided. Collection method: clinical testing. Allele origin: germline. Affected: yes. Study: VKGL Data-share Consensus. Not counted in ClinVar's aggregate classification.

Genome Diagnostics Laboratory, University Medical Center Utrecht
Classification: Likely benign. Review status: no assertion criteria provided. Collection method: clinical testing. Allele origin: germline. Affected: yes. Study: VKGL Data-share Consensus. Not counted in ClinVar's aggregate classification.

Joint Genome Diagnostic Labs from Nijmegen and Maastricht, Radboudumc and MUMC+
Classification: Likely benign. Review status: no assertion criteria provided. Collection method: clinical testing. Allele origin: germline. Affected: yes. Study: VKGL Data-share Consensus. Not counted in ClinVar's aggregate classification.